The following is an entry in ClinVar:

NM_001957.4(EDNRA):c.1144-3C>A

Gene: EDNRA (endothelin receptor type A; plus strand). Cytogenetic location: 4q31.23.
Variant type: single nucleotide variant.
Coding change: c.1144-3C>A on transcript NM_001957.4 (MANE Select); 3 bases into the intron before coding-DNA position 1144, C replaced by A.
Molecular consequence: intron variant.
Genome position (GRCh38, 1-based): chr4:147,542,475, C>A. VCF-style: chr4-147542475-C-A. GRCh37 (hg19) VCF-style: chr4-148463627-C-A.
Other names: c.817-3C>A (NM_001166055.2).
Identifiers: ClinVar variation 1982257 (VCV001982257.4), dbSNP rs373752654, ClinGen allele CA3098054.
Genomic context (GRCh38, chr4:147,542,475, plus strand): 5'-GCTGTGTTTGGCCGGGAATGGGCTGGTAGGCTCGCCTTACTTCGAGTCTGTTCCTTCCCC[C>A]AGTCATGCCTCTGCTGCTGCTGTTACCAGTCCAAAAGTCTGATGACCTCGGTCCCCATGA-3'

ClinVar aggregate classification (germline): Uncertain significance (1 of 4 stars; one submission).

Allele frequency attached by ClinVar (database versions not stated): gnomAD 0.00017.
gnomAD v4.1: 52 of 1,614,008 alleles (0.0032%); highest among the groups gnomAD compares: Admixed American, 0.08%; no homozygotes.

Submission:

Labcorp Genetics (formerly Invitae), Labcorp
Classification: Uncertain significance. Last evaluated: 2023-05-05. Review status: criteria provided, single submitter. Criteria: Invitae Variant Classification Sherloc (09022015). Collection method: clinical testing. Allele origin: germline.
Comment: In summary, the available evidence is currently insufficient to determine the role of this variant in disease. Therefore, it has been classified as a Variant of Uncertain Significance. Variants that disrupt the consensus splice site are a relatively common cause of aberrant splicing (PMID: 17576681, 9536098). Algorithms developed to predict the effect of sequence changes on RNA splicing suggest that this variant may create or strengthen a splice site. ClinVar contains an entry for this variant (Variation ID: 1982257). This variant has not been reported in the literature in individuals affected with EDNRA-related conditions. This variant is present in population databases (rs373752654, gnomAD 0.04%), and has an allele count higher than expected for a pathogenic variant. This sequence change falls in intron 7 of the EDNRA gene. It does not directly change the encoded amino acid sequence of the EDNRA protein. It affects a nucleotide within the consensus splice site.

Literature cited by the submitters: PubMed 17576681; PubMed 9536098.